The following is an entry in ClinVar:

ClinVar aggregate classification (germline): Pathogenic (1 of 4 stars; one submission).

Allele frequency attached by ClinVar (database versions not stated): gnomAD exomes below 0.00001 and 0.00001; ExAC 0.00001.
gnomAD v4.1: 6 of 1,613,010 alleles (0.00037%); highest among the groups gnomAD compares: South Asian, 0.0066%; 1 homozygote.

Submission:

Labcorp Genetics (formerly Invitae), Labcorp
Classification: Pathogenic. Last evaluated: 2021-02-01. Review status: criteria provided, single submitter. Criteria: Invitae Variant Classification Sherloc (09022015). Collection method: clinical testing. Allele origin: germline.
Comment: For these reasons, this variant has been classified as Pathogenic. This variant has not been reported in the literature in individuals with P3H2-related conditions. This variant is present in population databases (rs755353918, ExAC 0.006%). This sequence change creates a premature translational stop signal (p.Lys376*) in the P3H2 gene. It is expected to result in an absent or disrupted protein product. Loss-of-function variants in P3H2 are known to be pathogenic (PMID: 24172257, 25469533).

Literature cited by the submitters: PubMed 24172257; PubMed 25469533.

NM_018192.4(P3H2):c.1126A>T (p.Lys376Ter)

Gene: P3H2 (prolyl 3-hydroxylase 2; minus strand). Cytogenetic location: 3q28.
Variant type: single nucleotide variant.
Coding change: c.1126A>T on transcript NM_018192.4 (MANE Select); coding-DNA position 1126, A replaced by T.
Protein change: p.Lys376Ter; replaces lysine 376 with a stop codon.
Molecular consequence: nonsense.
Genome position (GRCh38, 1-based): chr3:189,986,850, T>A on the plus strand (A>T on the coding strand, the complement: P3H2 is on the minus strand). VCF-style: chr3-189986850-T-A. GRCh37 (hg19) VCF-style: chr3-189704639-T-A.
Other names: c.583A>T, p.Lys195Ter (NM_001134418.2); short protein forms K376*, K195*.
Identifiers: ClinVar variation 1384187 (VCV001384187.6), dbSNP rs755353918, ClinGen allele CA2753070.